The following is an entry in ClinVar:

NM_001166108.2(PALLD):c.2032G>A (p.Asp678Asn)

Gene: PALLD (palladin, cytoskeletal associated protein; plus strand). Cytogenetic location: 4q32.3.
Variant type: single nucleotide variant.
Coding change: c.2032G>A on transcript NM_001166108.2 (MANE Select); coding-DNA position 2032, G replaced by A.
Protein change: p.Asp678Asn; replaces aspartic acid 678 with asparagine.
Molecular consequence: missense variant. On other transcripts: 5 prime UTR variant (4).
Genome position (GRCh38, 1-based): chr4:168,890,989, G>A. VCF-style: chr4-168890989-G-A. GRCh37 (hg19) VCF-style: chr4-169812140-G-A.
Other names: c.886G>A, p.Asp296Asn (NM_001166109.2); c.571G>A, p.Asp191Asn (NM_001166110.2); c.-90G>A (NM_001367567.1, NM_001367568.1, NM_001367569.1 and 1 more transcripts); c.2032G>A, p.Asp678Asn (NM_016081.4); c.2032G>A (NM_016081.3); short protein forms D191N, D296N, D678N.
Identifiers: ClinVar variation 1043866 (VCV001043866.8), dbSNP rs764564619, ClinGen allele CA3135805.

ClinVar aggregate classification (germline): Uncertain significance. Review status: criteria provided, multiple submitters, no conflicts (2 of 4 stars). 2 submissions from 2 submitters: Uncertain significance (2). Last evaluated 2022-11-19.

Conditions:
Pancreatic adenocarcinoma. Identifiers: MedGen C0281361, MONDO:0006047, HP:0006725.

gnomAD v4.1: 4 of 1,614,034 alleles (0.00025%); highest among the groups gnomAD compares: South Asian, 0.0011%; no homozygotes.

Submissions (2):

Ambry Genetics
Classification: Uncertain significance. Last evaluated: 2022-11-19. Review status: criteria provided, single submitter. Criteria: Ambry Variant Classification Scheme 2023. Collection method: clinical testing. Allele origin: germline.
Comment: The p.D678N variant (also known as c.2032G>A), located in coding exon 10 of the PALLD gene, results from a G to A substitution at nucleotide position 2032. The aspartic acid at codon 678 is replaced by asparagine, an amino acid with highly similar properties. This amino acid position is conserved. In addition, this alteration is predicted to be tolerated by in silico analysis. Since supporting evidence is limited at this time, the clinical significance of this alteration remains unclear.

Labcorp Genetics (formerly Invitae), Labcorp
Classification: Uncertain significance for Pancreatic adenocarcinoma. Last evaluated: 2021-10-28. Review status: criteria provided, single submitter. Criteria: Invitae Variant Classification Sherloc (09022015). Collection method: clinical testing. Allele origin: germline.
Comment: This sequence change replaces aspartic acid, which is acidic and polar, with asparagine, which is neutral and polar, at codon 191 of the PALLD protein (p.Asp191Asn). In summary, the available evidence is currently insufficient to determine the role of this variant in disease. Therefore, it has been classified as a Variant of Uncertain Significance. Algorithms developed to predict the effect of missense changes on protein structure and function are either unavailable or do not agree on the potential impact of this missense change (SIFT: "Deleterious"; PolyPhen-2: "Benign"; Align-GVGD: "Class C15"). ClinVar contains an entry for this variant (Variation ID: 1043866). This variant has not been reported in the literature in individuals affected with PALLD-related conditions. This variant is present in population databases (rs764564619, gnomAD no frequency).